The following is an entry in ClinVar:

ClinVar aggregate classification (germline): Benign/Likely benign. Review status: criteria provided, multiple submitters, no conflicts (2 of 4 stars). 2 submissions from 2 submitters: Benign (1); Likely benign (1). Last evaluated 2025-08-18.

Conditions:
Melanoma-pancreatic cancer syndrome. Identifiers: Orphanet 404560, MedGen C1838547, MONDO:0011713, OMIM 606719. Disease mechanism: loss of function.

Allele frequency attached by ClinVar (database versions not stated): TOPMed below 0.00001.

Submissions (2):

Myriad Genetics, Inc.
Classification: Benign for Melanoma-pancreatic cancer syndrome. Last evaluated: 2025-08-18. Review status: criteria provided, single submitter. Criteria: Myriad Autosomal Dominant, Autosomal Recessive and X-Linked Classification Criteria (2023). Collection method: clinical testing. Allele origin: unknown.
Comment: This variant is considered benign. This variant is intronic and is not expected to impact mRNA splicing.

PreventionGenetics, part of Exact Sciences
Classification: Likely benign. Last evaluated: 2018-01-02. Review status: criteria provided, single submitter. Criteria: ACMG Guidelines, 2015. Collection method: clinical testing. Allele origin: germline.

NM_000077.5(CDKN2A):c.458-56G>T

Gene: CDKN2A (cyclin dependent kinase inhibitor 2A; minus strand). Cytogenetic location: 9p21.3.
Variant type: single nucleotide variant.
Coding change: c.458-56G>T on transcript NM_000077.5 (MANE Select); 56 bases into the intron before coding-DNA position 458, G replaced by T.
Molecular consequence: intron variant.
Genome position (GRCh38, 1-based): chr9:21,968,298, C>A on the plus strand (G>T on the coding strand, the complement: CDKN2A is on the minus strand). VCF-style: chr9-21968298-C-A. GRCh37 (hg19) VCF-style: chr9-21968297-C-A.
Other names: c.305-56G>T (NM_001363763.2); c.*102-56G>T (NM_058195.4); c.*151-56G>T (NM_001195132.2); c.*381-56G>T (NM_058197.5).
Identifiers: ClinVar variation 560767 (VCV000560767.3), dbSNP rs1563886124, ClinGen allele CA658822186.